The following is an entry in ClinVar:

NM_002485.5(NBN):c.2115dup (p.Ser706fs)

Gene: NBN (nibrin; minus strand). Cytogenetic location: 8q21.3.
Variant type: Duplication.
Coding change: c.2115dup on transcript NM_002485.5 (MANE Select); coding-DNA position 2115, one base duplicated (A; older notation c.2115dupA).
Protein change: p.Ser706fs; shifts the reading frame from serine 706.
Molecular consequence: frameshift variant.
Genome position (GRCh38, 1-based): chr8:89,943,322, T duplicated on the plus strand (A on the coding strand, the reverse complement: NBN is on the minus strand). VCF-style (leftmost placement, unchanged base first): chr8-89943321-A-AT. GRCh37 (hg19) VCF-style: chr8-90955549-A-AT.
Other names: c.1869dup, p.Ser624fs (NM_001024688.3); c.2115dupA (NM_002485.4); short protein forms S706fs, S624fs.
Identifiers: ClinVar variation 1786168 (VCV001786168.2), dbSNP rs2488191499, ClinGen allele CA2580079021.
Genomic context (GRCh38, chr8:89,943,321, plus strand): 5'-CCTGCCTTAGCCACTCTTCTAGTTCTGTATTCTTTCGAGCATGATGAGCTATTAGATCTG[A>AT]TCCTCCAATGATGTGTGGAAGTTTTCCTGCTCCAGGATATGTGACCTATTGAATAATAAA-3'

ClinVar aggregate classification (germline): Uncertain significance (1 of 4 stars; one submission).

Conditions:
Hereditary cancer-predisposing syndrome. Also called: Neoplastic Syndromes, Hereditary; Tumor predisposition; Hereditary Cancer Syndrome; Hereditary neoplastic syndrome. Identifiers: Orphanet 140162, MedGen C0027672, MeSH D009386, MONDO:0015356.

Submission:

Ambry Genetics
Classification: Uncertain significance for Hereditary cancer-predisposing syndrome. Last evaluated: 2021-03-22. Review status: criteria provided, single submitter. Criteria: Ambry Variant Classification Scheme 2023. Collection method: clinical testing. Allele origin: germline.
Comment: The c.2115dupA variant, located in coding exon 14 of the NBN gene, results from a duplication of A at nucleotide position 2115, causing a translational frameshift with a predicted alternate stop codon (p.S706Ifs*36). This alteration occurs at the 3' terminus of the NBN gene, is not expected to trigger nonsense-mediated mRNAdecay, and impacts less than 10% of the protein. The exact functional effect of this alteration is unknown. Since supporting evidence is limited at this time, the clinical significance of this alteration remains unclear.